The following is an entry in ClinVar:

NM_006516.4(SLC2A1):c.1418G>A (p.Ser473Asn)

Gene: SLC2A1 (solute carrier family 2 member 1; minus strand). Cytogenetic location: 1p34.2.
Variant type: single nucleotide variant.
Coding change: c.1418G>A on transcript NM_006516.4 (MANE Select); coding-DNA position 1418, G replaced by A.
Protein change: p.Ser473Asn; replaces serine 473 with asparagine.
Molecular consequence: missense variant.
Genome position (GRCh38, 1-based): chr1:42,927,102, C>T on the plus strand (G>A on the coding strand, the complement: SLC2A1 is on the minus strand). VCF-style: chr1-42927102-C-T. GRCh37 (hg19) VCF-style: chr1-43392773-C-T.
Other names: short protein forms S473N.
Identifiers: ClinVar variation 452565 (VCV000452565.11), dbSNP rs774241047, ClinGen allele CA803280.

ClinVar aggregate classification (germline): Uncertain significance. Review status: criteria provided, multiple submitters, no conflicts (2 of 4 stars). 7 submissions from 3 submitters: Uncertain significance (7). Last evaluated 2025-06-22.

Conditions:
Hereditary cryohydrocytosis with reduced stomatin. Also called: Stomatin-deficient cryohydrocytosis with neurologic defects; GLUT1 DEFICIENCY SYNDROME WITH PSEUDOHYPERKALEMIA AND HEMOLYSIS. Identifiers: Orphanet 168577, MedGen C1837206, MONDO:0012143, OMIM 608885.
Dystonia 9 (DYT9). Also called: CHOREOATHETOSIS, KINESIGENIC, WITH EPISODIC ATAXIA AND SPASTICITY. Identifiers: Orphanet 53583, MedGen C1832855, MONDO:0010983, OMIM 601042.
Epilepsy, idiopathic generalized, susceptibility to, 12 (EIG12). Identifiers: MedGen C3553859, MONDO:0013919, OMIM 614847.
Encephalopathy due to GLUT1 deficiency. Also called: GLUCOSE TRANSPORT DEFECT, BLOOD-BRAIN BARRIER; GLUT1 deficiency syndrome 1; Classic Glucose Transporter Type 1 Deficiency Syndrome; De Vivo disease; GLUT1 deficiency syndrome 1, infantile onset, severe; Glucose transporter protein syndrome. Identifiers: Orphanet 71277, MedGen C4551966, MONDO:0011724, OMIM 606777.
GLUT1 deficiency syndrome 1, autosomal recessive. Identifiers: MedGen C3149117.
Childhood onset GLUT1 deficiency syndrome 2. Also called: PxMD-SLC2A1; Exertion-induced paroxysmal dyskinesia; PAROXYSMAL EXERCISE-INDUCED DYSKINESIA WITH OR WITHOUT EPILEPSY AND/OR HEMOLYTIC ANEMIA; PAROXYSMAL EXERTION-INDUCED DYSTONIA WITH OR WITHOUT EPILEPSY AND/OR HEMOLYTIC ANEMIA; PED WITH OR WITHOUT EPILEPSY AND/OR HEMOLYTIC ANEMIA; GLUT1 deficiency syndrome 2. Identifiers: Orphanet 98811, MedGen C1842534, MONDO:0012805, OMIM 612126.

Allele frequency attached by ClinVar (database versions not stated): gnomAD exomes 0.00001; TOPMed 0.00001; ExAC 0.00002.
gnomAD v4.1: 4 of 1,614,222 alleles (0.00025%); highest among the groups gnomAD compares: Admixed American, 0.0067%; no homozygotes.

Submissions (7):

Labcorp Genetics (formerly Invitae), Labcorp
Classification: Uncertain significance for GLUT1 deficiency syndrome 1, autosomal recessive. Last evaluated: 2025-06-22. Review status: criteria provided, single submitter. Criteria: Invitae Variant Classification Sherloc (09022015). Collection method: clinical testing. Allele origin: germline.
Comment: This sequence change replaces serine, which is neutral and polar, with asparagine, which is neutral and polar, at codon 473 of the SLC2A1 protein (p.Ser473Asn). This variant is present in population databases (rs774241047, gnomAD 0.009%). This variant has not been reported in the literature in individuals affected with SLC2A1-related conditions. ClinVar contains an entry for this variant (Variation ID: 452565). An algorithm developed to predict the effect of missense changes on protein structure and function outputs the following: PolyPhen-2: "Benign". The asparagine amino acid residue is found in multiple mammalian species, which suggests that this missense change does not adversely affect protein function. In summary, the available evidence is currently insufficient to determine the role of this variant in disease. Therefore, it has been classified as a Variant of Uncertain Significance.

Genome-Nilou Lab
Classification: Uncertain significance for Epilepsy, idiopathic generalized, susceptibility to, 12. Last evaluated: 2023-04-11. Review status: criteria provided, single submitter. Criteria: ACMG Guidelines, 2015. Collection method: clinical testing. Allele origin: germline. Affected: no.

Genome-Nilou Lab
Classification: Uncertain significance for Dystonia 9. Last evaluated: 2023-04-11. Review status: criteria provided, single submitter. Criteria: ACMG Guidelines, 2015. Collection method: clinical testing. Allele origin: germline. Affected: no.

Genome-Nilou Lab
Classification: Uncertain significance for Encephalopathy due to GLUT1 deficiency. Last evaluated: 2023-04-11. Review status: criteria provided, single submitter. Criteria: ACMG Guidelines, 2015. Collection method: clinical testing. Allele origin: germline. Affected: no.

Genome-Nilou Lab
Classification: Uncertain significance for Childhood onset GLUT1 deficiency syndrome 2. Last evaluated: 2023-04-11. Review status: criteria provided, single submitter. Criteria: ACMG Guidelines, 2015. Collection method: clinical testing. Allele origin: germline. Affected: no.

Genome-Nilou Lab
Classification: Uncertain significance for Hereditary cryohydrocytosis with reduced stomatin. Last evaluated: 2023-04-11. Review status: criteria provided, single submitter. Criteria: ACMG Guidelines, 2015. Collection method: clinical testing. Allele origin: germline. Affected: no.

GeneDx
Classification: Uncertain significance. Last evaluated: 2018-07-25. Review status: criteria provided, single submitter. Criteria: GeneDx Variant Classification (06012015). Collection method: clinical testing. Allele origin: germline. Affected: yes.
Comment: A variant of uncertain significance has been identified in the SLC2A1 gene. The S473N variant has not been published as a pathogenic variant, nor has it been reported as a benign variant to our knowledge. The S473N variant is observed in 3/33582 (0.009%) alleles from individuals of Latino background (Lek et al., 2016). The S473N variant is a conservative amino acid substitution, which is not likely to impact secondary protein structure as these residues share similar properties. Additionally, this substitution occurs at a position that is not conserved, and in silico analysis predicts this variant likely does not alter the protein structure/function. Based on the currently availableinformation, it is unclear whether this variant is a pathogenic variant or a rare benign variant.